The following is an entry in ClinVar:

NM_001365999.1(SZT2):c.5824G>A (p.Gly1942Arg)

Gene: SZT2 (SZT2 subunit of KICSTOR complex; plus strand). Cytogenetic location: 1p34.2.
Variant type: single nucleotide variant.
Coding change: c.5824G>A on transcript NM_001365999.1 (MANE Select); coding-DNA position 5824, G replaced by A.
Protein change: p.Gly1942Arg; replaces glycine 1942 with arginine.
Molecular consequence: missense variant.
Genome position (GRCh38, 1-based): chr1:43,434,405, G>A. VCF-style: chr1-43434405-G-A. GRCh37 (hg19) VCF-style: chr1-43900076-G-A.
Other names: p.Gly1885Arg; c.5653G>A, p.Gly1885Arg (NM_015284.4); short protein forms G1885R, G1942R.
Identifiers: ClinVar variation 4541053 (VCV004541053.1).

ClinVar aggregate classification (germline): Uncertain significance (1 of 4 stars; one submission).

gnomAD v4.1: 5 of 1,595,780 alleles (0.00031%); highest among the groups gnomAD compares: Non-Finnish European, 0.00034%; no homozygotes.

Submission:

Mayo Clinic Laboratories, Mayo Clinic
Classification: Uncertain significance. Last evaluated: 2025-06-13. Review status: criteria provided, single submitter. Criteria: ACMG Guidelines, 2015. Collection method: clinical testing. Allele origin: germline. Observed: 1 variant allele.
Comment: BP4_moderate